The following is an entry in ClinVar:

NM_014904.3(RAB11FIP2):c.1158G>A (p.Leu386=)

Gene: RAB11FIP2 (RAB11 family interacting protein 2; minus strand). Cytogenetic location: 10q26.11.
Variant type: single nucleotide variant.
Coding change: c.1158G>A on transcript NM_014904.3 (MANE Select); coding-DNA position 1158, G replaced by A.
Protein change: p.Leu386=; no amino-acid change (leucine 386 retained).
Molecular consequence: synonymous variant.
Genome position (GRCh38, 1-based): chr10:118,039,079, C>T on the plus strand (G>A on the coding strand, the complement: RAB11FIP2 is on the minus strand). VCF-style: chr10-118039079-C-T. GRCh37 (hg19) VCF-style: chr10-119798590-C-T.
Other names: c.1158G>A, p.Leu386= (NM_001330167.2).
Identifiers: ClinVar variation 2640875 (VCV002640875.24), dbSNP rs532217976, ClinGen allele CA5711640.

ClinVar aggregate classification (germline): Likely benign (1 of 4 stars; one submission).

Allele frequency attached by ClinVar (database versions not stated): gnomAD 0.00001; gnomAD exomes 0.00008; ExAC 0.00019.
gnomAD v4.1: 113 of 1,613,438 alleles (0.007%); highest among the groups gnomAD compares: South Asian, 0.12%; no homozygotes.

Submission:

CeGaT Center for Human Genetics Tuebingen
Classification: Likely benign. Last evaluated: 2023-05-01. Review status: criteria provided, single submitter. Criteria: CeGaT Center For Human Genetics Tuebingen Variant Classification Criteria Version 2. Collection method: clinical testing. Allele origin: germline. Affected: yes. Observed: 1 variant allele.
Comment: RAB11FIP2: BP4, BP7